The following is an entry in ClinVar:

ClinVar aggregate classification (germline): Conflicting classifications of pathogenicity. Review status: criteria provided, conflicting classifications (1 of 4 stars). 2 submissions from 2 submitters: Pathogenic (1); Uncertain significance (1). Last evaluated 2025-10-17.

Conditions:
Autosomal recessive spinocerebellar ataxia 10. Identifiers: Orphanet 284289, MedGen C3150998, MONDO:0013392, OMIM 613728.

Submissions (3):

Mayo Clinic Laboratories, Mayo Clinic
Classification: Uncertain significance. Last evaluated: 2025-10-17. Review status: criteria provided, single submitter. Criteria: ACMG Guidelines, 2015. Collection method: clinical testing. Allele origin: germline. Observed: 1 variant allele.
Comment: PVS1_moderate

Genetic Services Laboratory, University of Chicago
Classification: Pathogenic for Spinocerebellar ataxia, autosomal recessive 10. Last evaluated: 2014-06-27. Review status: criteria provided, single submitter. Criteria: ACMG Guidelines, 2015. Collection method: clinical testing. Allele origin: germline. Affected: yes.

Dr. Peter K. Rogan Lab, Western University
No classification provided (evidence only). Condition: Ovarian serous cystadenocarcinoma. Review status: no classification provided. Collection method: in vitro. Allele origin: not applicable. Functional consequence: retained intron. Not counted in ClinVar's aggregate classification.

Literature cited by the submitters: PubMed 35648332 (cited by Mayo Clinic Laboratories, Mayo Clinic).

NM_018075.5(ANO10):c.1669-2A>T

Gene: ANO10 (anoctamin 10; minus strand). Cytogenetic location: 3p22.1.
Variant type: single nucleotide variant.
Coding change: c.1669-2A>T on transcript NM_018075.5 (MANE Select); the canonical splice acceptor site of the intron before coding-DNA position 1669, A replaced by T.
Molecular consequence: splice acceptor variant.
Genome position (GRCh38, 1-based): chr3:43,549,850, T>A on the plus strand (A>T on the coding strand, the complement: ANO10 is on the minus strand). VCF-style: chr3-43549850-T-A. GRCh37 (hg19) VCF-style: chr3-43591342-T-A.
Other names: NC_000003.11:g.43591342T>A; c.1471-2A>T (NM_001346469.2, NM_001204832.3, NM_001346466.2); c.1669-2A>T (NM_001346468.2, NM_001346465.2, NM_001204831.3); c.1336-2A>T (NM_001204833.3); c.1099-2A>T (NM_001204834.3); c.1786-2A>T (NM_001346463.2, NM_001346464.2, NM_001346467.2).
Identifiers: ClinVar variation 210185 (VCV000210185.8), dbSNP rs797045240, ClinGen allele CA206222.